The following is an entry in ClinVar:

NM_006662.3(SRCAP):c.7870G>A (p.Ala2624Thr)

Gene: SRCAP (Snf2 related CREBBP activator protein; plus strand). Cytogenetic location: 16p11.2.
Variant type: single nucleotide variant.
Coding change: c.7870G>A on transcript NM_006662.3 (MANE Select); coding-DNA position 7870, G replaced by A.
Protein change: p.Ala2624Thr; replaces alanine 2624 with threonine.
Molecular consequence: missense variant.
Genome position (GRCh38, 1-based): chr16:30,737,910, G>A. VCF-style: chr16-30737910-G-A. GRCh37 (hg19) VCF-style: chr16-30749231-G-A.
Other names: short protein forms A2624T.
Identifiers: ClinVar variation 2307746 (VCV002307746.4), dbSNP rs139052774, ClinGen allele CA8012568.

ClinVar aggregate classification (germline): Conflicting classifications of pathogenicity. Review status: criteria provided, conflicting classifications (1 of 4 stars). 2 submissions from 2 submitters: Uncertain significance (1); Likely benign (1). Last evaluated 2024-10-30.

Conditions:
Inborn genetic diseases. Identifiers: MedGen C0950123, MeSH D030342.

Allele frequency attached by ClinVar (database versions not stated): TOPMed 0.00001; ESP Exome Variant Server 0.00008.
gnomAD v4.1: 22 of 1,614,204 alleles (0.0014%); highest among the groups gnomAD compares: African/African-American, 0.0027%; no homozygotes.

Submissions (2):

Labcorp Genetics (formerly Invitae), Labcorp
Classification: Uncertain significance. Last evaluated: 2024-10-30. Review status: criteria provided, single submitter. Criteria: Invitae Variant Classification Sherloc (09022015). Collection method: clinical testing. Allele origin: germline.
Comment: This sequence change replaces alanine, which is neutral and non-polar, with threonine, which is neutral and polar, at codon 2624 of the SRCAP protein (p.Ala2624Thr). This variant is present in population databases (rs139052774, gnomAD 0.0009%). This variant has not been reported in the literature in individuals affected with SRCAP-related conditions. ClinVar contains an entry for this variant (Variation ID: 2307746). Invitae Evidence Modeling of protein sequence and biophysical properties (such as structural, functional, and spatial information, amino acid conservation, physicochemical variation, residue mobility, and thermodynamic stability) indicates that this missense variant is not expected to disrupt SRCAP protein function with a negative predictive value of 80%. In summary, the available evidence is currently insufficient to determine the role of this variant in disease. Therefore, it has been classified as a Variant of Uncertain Significance.

Ambry Genetics
Classification: Likely benign for Inborn genetic diseases. Last evaluated: 2022-08-17. Review status: criteria provided, single submitter. Criteria: Ambry Variant Classification Scheme 2023. Collection method: clinical testing. Allele origin: germline.